The following is an entry in ClinVar:

NM_000535.7(PMS2):c.582T>G (p.Ile194Met)

Gene: PMS2 (PMS1 homolog 2, mismatch repair system component; minus strand). Cytogenetic location: 7p22.1.
Variant type: single nucleotide variant.
Coding change: c.582T>G on transcript NM_000535.7 (MANE Select); coding-DNA position 582, T replaced by G.
Protein change: p.Ile194Met; replaces isoleucine 194 with methionine.
Molecular consequence: missense variant. On other transcripts: non-coding transcript variant (1), intron variant (3).
Genome position (GRCh38, 1-based): chr7:5,999,231, A>C on the plus strand (T>G on the coding strand, the complement: PMS2 is on the minus strand). VCF-style: chr7-5999231-A-C. GRCh37 (hg19) VCF-style: chr7-6038862-A-C.
Other names: c.177T>G, p.Ile59Met (NM_001322003.2, NM_001322004.2, NM_001322005.2 and 2 more transcripts); c.582T>G, p.Ile194Met (NM_001322006.2, NM_001322014.2); c.264T>G, p.Ile88Met (NM_001322007.2, NM_001322008.2); c.273T>G, p.Ile91Met (NM_001322015.2); c.133-1808T>G (NM_001322013.2); c.-347-5T>G (NM_001322012.2, NM_001322011.2); short protein forms I194M, I88M, I91M, I59M.
Identifiers: ClinVar variation 525614 (VCV000525614.13), dbSNP rs1554302490, ClinGen allele CA366744042.

ClinVar aggregate classification (germline): Uncertain significance. Review status: criteria provided, multiple submitters, no conflicts (2 of 4 stars). 2 submissions from 2 submitters: Uncertain significance (2). Last evaluated 2025-08-18.

Conditions:
Hereditary nonpolyposis colorectal neoplasms. Identifiers: MedGen C0009405, MeSH D003123.
Hereditary cancer-predisposing syndrome. Also called: Neoplastic Syndromes, Hereditary; Tumor predisposition; Hereditary Cancer Syndrome; Hereditary neoplastic syndrome. Identifiers: Orphanet 140162, MedGen C0027672, MeSH D009386, MONDO:0015356.

Allele frequency attached by ClinVar (database versions not stated): gnomAD exomes below 0.00001.
gnomAD v4.1: 2 of 1,614,130 alleles (0.00012%); highest among the groups gnomAD compares: Non-Finnish European, 0.000085%; no homozygotes.

Submissions (2):

Labcorp Genetics (formerly Invitae), Labcorp
Classification: Uncertain significance for Hereditary nonpolyposis colorectal neoplasms. Last evaluated: 2025-08-18. Review status: criteria provided, single submitter. Criteria: Invitae Variant Classification Sherloc (09022015). Collection method: clinical testing. Allele origin: germline.
Comment: This sequence change replaces isoleucine, which is neutral and non-polar, with methionine, which is neutral and non-polar, at codon 194 of the PMS2 protein (p.Ile194Met). This variant is not present in population databases (gnomAD no frequency). This variant has not been reported in the literature in individuals affected with PMS2-related conditions. ClinVar contains an entry for this variant (Variation ID: 525614). Invitae Evidence Modeling incorporating data from in vitro experimental studies (internal data) indicates that this missense variant is not expected to disrupt PMS2 function with a negative predictive value of 95%. In summary, the available evidence is currently insufficient to determine the role of this variant in disease. Therefore, it has been classified as a Variant of Uncertain Significance.

Ambry Genetics
Classification: Uncertain significance for Hereditary cancer-predisposing syndrome. Last evaluated: 2025-03-05. Review status: criteria provided, single submitter. Criteria: Ambry Variant Classification Scheme 2023. Collection method: clinical testing. Allele origin: germline.
Comment: The p.I194M variant (also known as c.582T>G), located in coding exon 6 of the PMS2 gene, results from a T to G substitution at nucleotide position 582. The isoleucine at codon 194 is replaced by methionine, an amino acid with highly similar properties. This amino acid position is well conserved in available vertebrate species. In addition, the in silico prediction for this alteration is inconclusive. Based on the available evidence, the clinical significance of this variant remains unclear.